The following is an entry in ClinVar:

ClinVar aggregate classification (germline): Uncertain significance (1 of 4 stars; one submission).

Conditions:
Zellweger spectrum disorders (ZS). Also called: Zellweger Spectrum Disorder; Zellweger Spectrum; Zellweger Spectrum Disorder (ZSD); Zellweger syndrome. Identifiers: Orphanet 912, MedGen C0043459, MONDO:0019609.

Submission:

Labcorp Genetics (formerly Invitae), Labcorp
Classification: Uncertain significance for Zellweger spectrum disorders. Last evaluated: 2022-08-19. Review status: criteria provided, single submitter. Criteria: Invitae Variant Classification Sherloc (09022015). Collection method: clinical testing. Allele origin: germline.
Comment: This sequence change replaces proline, which is neutral and non-polar, with arginine, which is basic and polar, at codon 1263 of the PEX1 protein (p.Pro1263Arg). This variant is not present in population databases (gnomAD no frequency). This variant has not been reported in the literature in individuals affected with PEX1-related conditions. Algorithms developed to predict the effect of missense changes on protein structure and function are either unavailable or do not agree on the potential impact of this missense change (SIFT: "Tolerated"; PolyPhen-2: "Probably Damaging"; Align-GVGD: "Class C0"). In summary, the available evidence is currently insufficient to determine the role of this variant in disease. Therefore, it has been classified as a Variant of Uncertain Significance.

NM_000466.3(PEX1):c.3788C>G (p.Pro1263Arg)

Genes: PEX1 (peroxisomal biogenesis factor 1; minus strand), GATAD1 (GATA zinc finger domain containing 1; plus strand). Cytogenetic location: 7q21.2.
Variant type: single nucleotide variant.
Coding change: c.3788C>G on transcript NM_000466.3 (MANE Select); coding-DNA position 3788, C replaced by G.
Protein change: p.Pro1263Arg; replaces proline 1263 with arginine.
Molecular consequence: missense variant.
Genome position (GRCh38, 1-based): chr7:92,487,521, G>C on the plus strand (C>G on the coding strand, the complement: PEX1 is on the minus strand). VCF-style: chr7-92487521-G-C. GRCh37 (hg19) VCF-style: chr7-92116835-G-C.
Other names: c.3617C>G, p.Pro1206Arg (NM_001282677.2); c.3164C>G, p.Pro1055Arg (NM_001282678.2); short protein forms P1206R, P1055R, P1263R.
Identifiers: ClinVar variation 1931630 (VCV001931630.5), dbSNP rs2484602170, ClinGen allele CA368158553.